The following is an entry in ClinVar:

NM_000540.3(RYR1):c.13093G>T (p.Gly4365Cys)

Gene: RYR1 (ryanodine receptor 1; plus strand). Cytogenetic location: 19q13.2.
Variant type: single nucleotide variant.
Coding change: c.13093G>T on transcript NM_000540.3 (MANE Select); coding-DNA position 13093, G replaced by T.
Protein change: p.Gly4365Cys; replaces glycine 4365 with cysteine.
Molecular consequence: missense variant.
Genome position (GRCh38, 1-based): chr19:38,565,427, G>T. VCF-style: chr19-38565427-G-T. GRCh37 (hg19) VCF-style: chr19-39056067-G-T.
Other names: c.13078G>T, p.Gly4360Cys (NM_001042723.2); short protein forms G4360C, G4365C.
Identifiers: ClinVar variation 1018396 (VCV001018396.10), dbSNP rs1973362089, ClinGen allele CA405673422.

ClinVar aggregate classification (germline): Uncertain significance. Review status: criteria provided, multiple submitters, no conflicts (2 of 4 stars). 2 submissions from 2 submitters: Uncertain significance (2). Last evaluated 2025-10-02.

Conditions:
RYR1-related disorder. Also called: RYR1-related condition; RYR1-related disorders. Identifiers: MedGen CN239331.

gnomAD v4.1: 3 of 1,488,908 alleles (0.0002%); highest among the groups gnomAD compares: Non-Finnish European, 0.00027%; no homozygotes.

Submissions (2):

Labcorp Genetics (formerly Invitae), Labcorp
Classification: Uncertain significance for RYR1-related disorder. Last evaluated: 2025-10-02. Review status: criteria provided, single submitter. Criteria: Invitae Variant Classification Sherloc (09022015). Collection method: clinical testing. Allele origin: germline.
Comment: This sequence change replaces glycine, which is neutral and non-polar, with cysteine, which is neutral and slightly polar, at codon 4365 of the RYR1 protein (p.Gly4365Cys). This variant is not present in population databases (gnomAD no frequency). This variant has not been reported in the literature in individuals affected with RYR1-related conditions. ClinVar contains an entry for this variant (Variation ID: 1018396). Invitae Evidence Modeling of protein sequence and biophysical properties (such as structural, functional, and spatial information, amino acid conservation, physicochemical variation, residue mobility, and thermodynamic stability) indicates that this missense variant is not expected to disrupt RYR1 protein function with a negative predictive value of 80%. In summary, the available evidence is currently insufficient to determine the role of this variant in disease. Therefore, it has been classified as a Variant of Uncertain Significance.

GeneDx
Classification: Uncertain significance. Last evaluated: 2019-04-09. Review status: criteria provided, single submitter. Criteria: GeneDx Variant Classification Process June 2021. Collection method: clinical testing. Allele origin: germline. Affected: yes.
Comment: Has not been previously published as pathogenic or benign to our knowledge; Not observed in large population cohorts (Lek et al., 2016); In silico analysis, which includes protein predictors and evolutionary conservation, supports a deleterious effect